The following is an entry in ClinVar:

ClinVar aggregate classification (germline): Uncertain significance (1 of 4 stars; one submission).

Submission:

GeneDx
Classification: Uncertain significance. Last evaluated: 2024-01-19. Review status: criteria provided, single submitter. Criteria: GeneDx Variant Classification Process June 2021. Collection method: clinical testing. Allele origin: germline. Affected: yes.
Comment: Not observed at significant frequency in large population cohorts (gnomAD); In silico analysis supports that this missense variant has a deleterious effect on protein structure/function; Has not been previously published as pathogenic or benign to our knowledge

NM_006231.4(POLE):c.4042T>C (p.Trp1348Arg)

Gene: POLE (DNA polymerase epsilon, catalytic subunit; minus strand). Cytogenetic location: 12q24.33.
Variant type: single nucleotide variant.
Coding change: c.4042T>C on transcript NM_006231.4 (MANE Select); coding-DNA position 4042, T replaced by C.
Protein change: p.Trp1348Arg; replaces tryptophan 1348 with arginine.
Molecular consequence: missense variant.
Genome position (GRCh38, 1-based): chr12:132,649,036, A>G on the plus strand (T>C on the coding strand, the complement: POLE is on the minus strand). VCF-style: chr12-132649036-A-G. GRCh37 (hg19) VCF-style: chr12-133225622-A-G.
Other names: short protein forms W1348R.
Identifiers: ClinVar variation 3368151 (VCV003368151.1).